The following is an entry in ClinVar:

ClinVar aggregate classification (germline): Uncertain significance (1 of 4 stars; one submission).

Submission:

GeneDx
Classification: Uncertain significance. Last evaluated: 2024-09-25. Review status: criteria provided, single submitter. Criteria: GeneDx Variant Classification Process June 2021. Collection method: clinical testing. Allele origin: germline. Affected: yes.
Comment: Not observed at significant frequency in large population cohorts (gnomAD); In silico analysis supports that this missense variant has a deleterious effect on protein structure/function; Has not been previously published as pathogenic or benign to our knowledge

NM_002430.3(MN1):c.2771T>C (p.Leu924Pro)

Gene: MN1 (MN1 proto-oncogene, transcriptional regulator; minus strand). Cytogenetic location: 22q12.1.
Variant type: single nucleotide variant.
Coding change: c.2771T>C on transcript NM_002430.3 (MANE Select); coding-DNA position 2771, T replaced by C.
Protein change: p.Leu924Pro; replaces leucine 924 with proline.
Molecular consequence: missense variant.
Genome position (GRCh38, 1-based): chr22:27,797,773, A>G on the plus strand (T>C on the coding strand, the complement: MN1 is on the minus strand). VCF-style: chr22-27797773-A-G. GRCh37 (hg19) VCF-style: chr22-28193761-A-G.
Other names: short protein forms L924P.
Identifiers: ClinVar variation 3774759 (VCV003774759.1).